The following is an entry in ClinVar:

NM_020631.6(PLEKHG5):c.2503_2510del (p.Pro835fs)

Gene: PLEKHG5 (pleckstrin homology and RhoGEF domain containing G5; minus strand). Cytogenetic location: 1p36.31.
Variant type: Deletion.
Coding change: c.2503_2510del on transcript NM_020631.6 (MANE Select); coding-DNA positions 2503 to 2510, 8 bases deleted (CCAATGGC; older notation c.2503_2510delCCAATGGC).
Protein change: p.Pro835fs; shifts the reading frame from proline 835.
Molecular consequence: frameshift variant.
Genome position (GRCh38, 1-based): chr1:6,468,326-6,468,333, GCCATTGG deleted on the plus strand (CCAATGGC on the coding strand, the reverse complement: PLEKHG5 is on the minus strand); deleting any 8 consecutive bases within chr1:6,468,326-6,468,336 gives the same sequence; the c. name uses the placement nearest the transcript's 3' end. VCF-style (leftmost placement, unchanged base first): chr1-6468325-TGCCATTGG-T. GRCh37 (hg19) VCF-style: chr1-6528385-TGCCATTGG-T.
Other names: c.2614_2621del, p.Pro872fs (NM_001265592.2, NM_001042663.3); c.2707_2714delGGCCCAAT, p.Pro904Argfs (NM_001265593.2); c.2500_2507delGGCCCAAT, p.Pro835Argfs (NM_001265594.3, NM_001042664.2, NM_001042665.2); c.2503_2510del, p.Pro835fs (NM_198681.4); short protein forms P835fs, P872fs, P904fs.
Identifiers: ClinVar variation 1722449 (VCV001722449.1), dbSNP rs2523115231, ClinGen allele CA2580062541.

ClinVar aggregate classification (germline): Likely pathogenic (1 of 4 stars; one submission).

Conditions:
Neuronopathy, distal hereditary motor, autosomal recessive 4. Also called: Autosomal recessive lower motor neuron disease with childhood onset; NEUROPATHY, DISTAL HEREDITARY MOTOR, AUTOSOMAL RECESSIVE 4. Identifiers: Orphanet 206580, MedGen C1970211, MONDO:0012608, OMIM 611067.

Submission:

Women's Health and Genetics/Laboratory Corporation of America, LabCorp
Classification: Likely pathogenic for Neuronopathy, distal hereditary motor, autosomal recessive 4. Last evaluated: 2022-09-02. Review status: criteria provided, single submitter. Criteria: LabCorp Variant Classification Summary - May 2015. Collection method: clinical testing. Allele origin: germline.
Comment: Variant summary: PLEKHG5 c.2503_2510delCCAATGGC (p.Pro835ArgfsX40) results in a premature termination codon, predicted to cause a truncation of the encoded protein or absence of the protein due to nonsense mediated decay, which are commonly known mechanisms for disease. The variant was absent in 237638 control chromosomes (gnomAD). The available data on variant occurrences in the general population are insufficient to allow any conclusion about variant significance. To our knowledge, no occurrence of c.2503_2510delCCAATGGC in individuals affected with Distal Spinal Muscular Atrophy, Autosomal Recessive 4 and no experimental evidence demonstrating its impact on protein function have been reported. No clinical diagnostic laboratories have submitted clinical-significance assessments for this variant to ClinVar after 2014. Based on the evidence outlined above, the variant was classified as likely pathogenic.